The following is an entry in ClinVar:

NM_005219.5(DIAPH1):c.2370G>T (p.Glu790Asp)

Gene: DIAPH1 (diaphanous related formin 1; minus strand). Cytogenetic location: 5q31.3.
Variant type: single nucleotide variant.
Coding change: c.2370G>T on transcript NM_005219.5 (MANE Select); coding-DNA position 2370, G replaced by T.
Protein change: p.Glu790Asp; replaces glutamic acid 790 with aspartic acid.
Molecular consequence: missense variant.
Genome position (GRCh38, 1-based): chr5:141,572,029, C>A on the plus strand (G>T on the coding strand, the complement: DIAPH1 is on the minus strand). VCF-style: chr5-141572029-C-A. GRCh37 (hg19) VCF-style: chr5-140951596-C-A.
Other names: c.2343G>T, p.Glu781Asp (NM_001079812.3); c.2370G>T, p.Glu790Asp (NM_001314007.2); short protein forms E790D, E781D.
Identifiers: ClinVar variation 1378812 (VCV001378812.5), dbSNP rs2099895259, ClinGen allele CA361513763.
Genomic context (GRCh38, chr5:141,572,029, plus strand): 5'-TTCATTGTTCTCAAAGCGGTCCTCCTTCACCTTTGTCCAGAAGCAGTCCTGGGAGAGGTC[C>A]TCAGCCACAAGCTGTGGATAAAGGCAGGGTGTTAAGAATTAGTAAACTGAGCCCTGTACT-3'
Protein context (NP_005210.3, residues 780-800): RRPNWSKLVA[Glu790Asp]DLSQDCFWTK

ClinVar aggregate classification (germline): Uncertain significance (1 of 4 stars; one submission).

Conditions:
Progressive microcephaly-seizures-cortical blindness-developmental delay syndrome. Also called: Seizures, cortical blindness, and microcephaly syndrome. Identifiers: Orphanet 477814, MedGen C5567650, MONDO:0014714, OMIM 616632.
Autosomal dominant nonsyndromic hearing loss 1. Also called: KONIGSMARK SYNDROME; DEAFNESS, AUTOSOMAL DOMINANT 1, WITH OR WITHOUT THROMBOCYTOPENIA. Identifiers: Orphanet 90635, MedGen C1852282, MONDO:0007424, OMIM 124900.

Allele frequency attached by ClinVar (database versions not stated): gnomAD exomes below 0.00001; TOPMed below 0.00001.
gnomAD v4.1: 1 of 1,613,092 alleles (0.000062%); highest among the groups gnomAD compares: Non-Finnish European, 0.000085%; no homozygotes.

Submission:

Labcorp Genetics (formerly Invitae), Labcorp
Classification: Uncertain significance for Progressive microcephaly-seizures-cortical blindness-developmental delay syndrome; Autosomal dominant nonsyndromic hearing loss 1. Last evaluated: 2021-11-08. Review status: criteria provided, single submitter. Criteria: Invitae Variant Classification Sherloc (09022015). Collection method: clinical testing. Allele origin: germline.
Comment: In summary, the available evidence is currently insufficient to determine the role of this variant in disease. Therefore, it has been classified as a Variant of Uncertain Significance. Algorithms developed to predict the effect of missense changes on protein structure and function (SIFT, PolyPhen-2, Align-GVGD) all suggest that this variant is likely to be tolerated. This variant has not been reported in the literature in individuals affected with DIAPH1-related conditions. This variant is not present in population databases (gnomAD no frequency). This sequence change replaces glutamic acid, which is acidic and polar, with aspartic acid, which is acidic and polar, at codon 790 of the DIAPH1 protein (p.Glu790Asp).